The following is an entry in ClinVar:

ClinVar aggregate classification (germline): Uncertain significance (1 of 4 stars; one submission).

Conditions:
RYR1-related disorder. Also called: RYR1-related condition; RYR1-related disorders. Identifiers: MedGen CN239331.

Submission:

Labcorp Genetics (formerly Invitae), Labcorp
Classification: Uncertain significance for RYR1-related disorder. Last evaluated: 2023-02-14. Review status: criteria provided, single submitter. Criteria: Invitae Variant Classification Sherloc (09022015). Collection method: clinical testing. Allele origin: germline.
Comment: In summary, the available evidence is currently insufficient to determine the role of this variant in disease. Therefore, it has been classified as a Variant of Uncertain Significance. Advanced modeling of protein sequence and biophysical properties (such as structural, functional, and spatial information, amino acid conservation, physicochemical variation, residue mobility, and thermodynamic stability) performed at Invitae indicates that this missense variant is expected to disrupt RYR1 protein function. This variant has not been reported in the literature in individuals affected with RYR1-related conditions. This variant is not present in population databases (gnomAD no frequency). This sequence change replaces threonine, which is neutral and polar, with arginine, which is basic and polar, at codon 2912 of the RYR1 protein (p.Thr2912Arg).

NM_000540.3(RYR1):c.8735C>G (p.Thr2912Arg)

Gene: RYR1 (ryanodine receptor 1; plus strand). Cytogenetic location: 19q13.2.
Variant type: single nucleotide variant.
Coding change: c.8735C>G on transcript NM_000540.3 (MANE Select); coding-DNA position 8735, C replaced by G.
Protein change: p.Thr2912Arg; replaces threonine 2912 with arginine.
Molecular consequence: missense variant.
Genome position (GRCh38, 1-based): chr19:38,506,871, C>G. VCF-style: chr19-38506871-C-G. GRCh37 (hg19) VCF-style: chr19-38997511-C-G.
Other names: c.8735C>G, p.Thr2912Arg (NM_001042723.2); short protein forms T2912R.
Identifiers: ClinVar variation 2837200 (VCV002837200.3), dbSNP rs1970478618, ClinGen allele CA405680927.